The following is an entry in ClinVar:

ClinVar aggregate classification (germline): Uncertain significance (1 of 4 stars; one submission).

Allele frequency attached by ClinVar (database versions not stated): gnomAD exomes below 0.00001; ExAC 0.00001; gnomAD 0.00001.
gnomAD v4.1: 4 of 1,610,068 alleles (0.00025%); highest among the groups gnomAD compares: Non-Finnish European, 0.00034%; no homozygotes.

Submission:

Labcorp Genetics (formerly Invitae), Labcorp
Classification: Uncertain significance. Last evaluated: 2025-05-05. Review status: criteria provided, single submitter. Criteria: Invitae Variant Classification Sherloc (09022015). Collection method: clinical testing. Allele origin: germline.
Comment: This sequence change replaces isoleucine, which is neutral and non-polar, with leucine, which is neutral and non-polar, at codon 334 of the SOX10 protein (p.Ile334Leu). This variant is present in population databases (rs746215943, gnomAD 0.002%). This variant has not been reported in the literature in individuals affected with SOX10-related conditions. ClinVar contains an entry for this variant (Variation ID: 2796906). Invitae Evidence Modeling of protein sequence and biophysical properties (such as structural, functional, and spatial information, amino acid conservation, physicochemical variation, residue mobility, and thermodynamic stability) indicates that this missense variant is not expected to disrupt SOX10 protein function with a negative predictive value of 95%. In summary, the available evidence is currently insufficient to determine the role of this variant in disease. Therefore, it has been classified as a Variant of Uncertain Significance.

NM_006941.4(SOX10):c.1000A>C (p.Ile334Leu)

Genes: POLR2F (RNA polymerase II, I and III subunit F; plus strand), SOX10 (SRY-box transcription factor 10; minus strand). Cytogenetic location: 22q13.1.
Variant type: single nucleotide variant.
Coding change: c.1000A>C on transcript NM_006941.4 (MANE Select); coding-DNA position 1000, A replaced by C.
Protein change: p.Ile334Leu; replaces isoleucine 334 with leucine.
Molecular consequence: missense variant. On other transcripts: intron variant (3).
Genome position (GRCh38, 1-based): chr22:37,973,896, T>G on the plus strand (A>C on the coding strand, the complement: SOX10 is on the minus strand). VCF-style: chr22-37973896-T-G. GRCh37 (hg19) VCF-style: chr22-38369903-T-G.
Other names: c.*38+1586T>G (NM_001363825.1); c.293+6726T>G (NM_001301130.2, NM_001301131.2); short protein forms I334L.
Identifiers: ClinVar variation 2796906 (VCV002796906.3), dbSNP rs746215943, ClinGen allele CA10228549.